The following is an entry in ClinVar:

NM_001035.3(RYR2):c.4900G>C (p.Glu1634Gln)

Gene: RYR2 (ryanodine receptor 2; plus strand). Cytogenetic location: 1q43.
Variant type: single nucleotide variant.
Coding change: c.4900G>C on transcript NM_001035.3 (MANE Select); coding-DNA position 4900, G replaced by C.
Protein change: p.Glu1634Gln; replaces glutamic acid 1634 with glutamine.
Molecular consequence: missense variant.
Genome position (GRCh38, 1-based): chr1:237,610,978, G>C. VCF-style: chr1-237610978-G-C. GRCh37 (hg19) VCF-style: chr1-237774278-G-C.
Other names: short protein forms E1634Q.
Identifiers: ClinVar variation 5028691 (VCV005028691.1).

ClinVar aggregate classification (germline): Uncertain significance (1 of 4 stars; one submission).

Conditions:
Cardiovascular phenotype. Identifiers: MedGen CN230736.

Submission:

Ambry Genetics
Classification: Uncertain significance for Cardiovascular phenotype. Last evaluated: 2026-07-21. Review status: criteria provided, single submitter. Criteria: Ambry Variant Classification Scheme 2023. Collection method: clinical testing. Allele origin: germline.
Comment: The p.E1634Q variant (also known as c.4900G>C), located in coding exon 36 of the RYR2 gene, results from a G to C substitution at nucleotide position 4900. The glutamic acid at codon 1634 is replaced by glutamine, an amino acid with highly similar properties. This amino acid position is conserved. In addition, this alteration is predicted to be deleterious by in silico analysis. Based on the available evidence, the clinical significance of this variant remains unclear.